The following is an entry in ClinVar:

ClinVar aggregate classification (germline): Uncertain significance. Review status: criteria provided, multiple submitters, no conflicts (2 of 4 stars). 2 submissions from 2 submitters: Uncertain significance (2). Last evaluated 2025-06-14.

Conditions:
Inborn genetic diseases. Identifiers: MedGen C0950123, MeSH D030342.
Baller-Gerold syndrome (BGS). Also called: CRANIOSYNOSTOSIS WITH RADIAL DEFECTS. Identifiers: Orphanet 1225, MedGen C0265308, MONDO:0009039, OMIM 218600.

Allele frequency attached by ClinVar (database versions not stated): TOPMed below 0.00001.

Submissions (2):

Ambry Genetics
Classification: Uncertain significance for Inborn genetic diseases. Last evaluated: 2025-06-14. Review status: criteria provided, single submitter. Criteria: Ambry Variant Classification Scheme 2023. Collection method: clinical testing. Allele origin: germline.
Comment: The p.E70K variant (also known as c.208G>A), located in coding exon 3 of the RECQL4 gene, results from a G to A substitution at nucleotide position 208. The glutamic acid at codon 70 is replaced by lysine, an amino acid with similar properties. This amino acid position is conserved. In addition, this alteration is predicted to be tolerated by in silico analysis. Based on the available evidence, the clinical significance of this variant remains unclear.

Labcorp Genetics (formerly Invitae), Labcorp
Classification: Uncertain significance for Baller-Gerold syndrome. Last evaluated: 2023-10-28. Review status: criteria provided, single submitter. Criteria: Invitae Variant Classification Sherloc (09022015). Collection method: clinical testing. Allele origin: germline.
Comment: This sequence change replaces glutamic acid, which is acidic and polar, with lysine, which is basic and polar, at codon 70 of the RECQL4 protein (p.Glu70Lys). This variant is not present in population databases (gnomAD no frequency). This variant has not been reported in the literature in individuals affected with RECQL4-related conditions. ClinVar contains an entry for this variant (Variation ID: 944809). Experimental studies and prediction algorithms are not available or were not evaluated, and the functional significance of this variant is currently unknown. In summary, the available evidence is currently insufficient to determine the role of this variant in disease. Therefore, it has been classified as a Variant of Uncertain Significance.

NM_004260.4(RECQL4):c.208G>A (p.Glu70Lys)

Gene: RECQL4 (RecQ like helicase 4; minus strand). Cytogenetic location: 8q24.3.
Variant type: single nucleotide variant.
Coding change: c.208G>A on transcript NM_004260.4 (MANE Select); coding-DNA position 208, G replaced by A.
Protein change: p.Glu70Lys; replaces glutamic acid 70 with lysine.
Molecular consequence: missense variant.
Genome position (GRCh38, 1-based): chr8:144,517,419, C>T on the plus strand (G>A on the coding strand, the complement: RECQL4 is on the minus strand). VCF-style: chr8-144517419-C-T. GRCh37 (hg19) VCF-style: chr8-145742803-C-T.
Other names: short protein forms E70K.
Identifiers: ClinVar variation 944809 (VCV000944809.5), dbSNP rs1404280214, ClinGen allele CA372692488.